The following is an entry in ClinVar:

NM_005430.4(WNT1):c.271C>A (p.Arg91Ser)

Gene: WNT1 (Wnt family member 1; plus strand). Cytogenetic location: 12q13.12.
Variant type: single nucleotide variant.
Coding change: c.271C>A on transcript NM_005430.4 (MANE Select); coding-DNA position 271, C replaced by A.
Protein change: p.Arg91Ser; replaces arginine 91 with serine.
Molecular consequence: missense variant.
Genome position (GRCh38, 1-based): chr12:48,979,634, C>A. VCF-style: chr12-48979634-C-A. GRCh37 (hg19) VCF-style: chr12-49373417-C-A.
Other names: short protein forms R91S.
Identifiers: ClinVar variation 4690912 (VCV004690912.1).

ClinVar aggregate classification (germline): Uncertain significance (1 of 4 stars; one submission).

gnomAD v4.1: 23 of 1,613,838 alleles (0.0014%); highest among the groups gnomAD compares: South Asian, 0.019%; 1 homozygote.

Submission:

Labcorp Genetics (formerly Invitae), Labcorp
Classification: Uncertain significance. Last evaluated: 2025-06-27. Review status: criteria provided, single submitter. Criteria: Invitae Variant Classification Sherloc (09022015). Collection method: clinical testing. Allele origin: germline.
Comment: This sequence change replaces arginine, which is basic and polar, with serine, which is neutral and polar, at codon 91 of the WNT1 protein (p.Arg91Ser). This variant is present in population databases (rs757767948, gnomAD 0.01%). This variant has not been reported in the literature in individuals affected with WNT1-related conditions. Invitae Evidence Modeling of protein sequence and biophysical properties (such as structural, functional, and spatial information, amino acid conservation, physicochemical variation, residue mobility, and thermodynamic stability) indicates that this missense variant is not expected to disrupt WNT1 protein function with a negative predictive value of 80%. In summary, the available evidence is currently insufficient to determine the role of this variant in disease. Therefore, it has been classified as a Variant of Uncertain Significance.